The following is an entry in ClinVar:

ClinVar aggregate classification (germline): Pathogenic (1 of 4 stars; one submission).

Submission:

Labcorp Genetics (formerly Invitae), Labcorp
Classification: Pathogenic. Last evaluated: 2023-08-10. Review status: criteria provided, single submitter. Criteria: Invitae Variant Classification Sherloc (09022015). Collection method: clinical testing. Allele origin: germline.
Comment: This variant is a gross deletion of the genomic region encompassing exon(s) 1 of the RORB gene, which includes the initiator codon. This deletion extends beyond the assayed region for this gene and therefore may encompass additional genes. It is expected to result in an absent or disrupted protein product. Loss-of-function variants in RORB are known to be pathogenic (PMID: 27352968). A similar copy number variant has been observed in individual(s) with clinical features of RORB-related conditions (PMID: 25950944). For these reasons, this variant has been classified as Pathogenic.

Literature cited by the submitters: PubMed 27352968; PubMed 25950944.

NC_000009.11:g.(?_77112893)_(77112919_?)del

Gene: RORB (RAR related orphan receptor B; plus strand). Cytogenetic location: 9q21.13.
Variant type: Deletion.
Identifiers: ClinVar variation 1458677 (VCV001458677.5).